The following is an entry in ClinVar:

NM_024642.5(GALNT12):c.884G>A (p.Arg295Lys)

Gene: GALNT12 (polypeptide N-acetylgalactosaminyltransferase 12; plus strand). Cytogenetic location: 9q22.33.
Variant type: single nucleotide variant.
Coding change: c.884G>A on transcript NM_024642.5 (MANE Select); coding-DNA position 884, G replaced by A.
Protein change: p.Arg295Lys; replaces arginine 295 with lysine.
Molecular consequence: missense variant.
Genome position (GRCh38, 1-based): chr9:98,831,924, G>A. VCF-style: chr9-98831924-G-A. GRCh37 (hg19) VCF-style: chr9-101594206-G-A.
Other names: short protein forms R295K.
Identifiers: ClinVar variation 822774 (VCV000822774.14), dbSNP rs762729583, ClinGen allele CA5154085.

ClinVar aggregate classification (germline): Uncertain significance. Review status: criteria provided, multiple submitters, no conflicts (2 of 4 stars). 3 submissions from 3 submitters: Uncertain significance (3). Last evaluated 2025-08-05.

Conditions:
Colorectal cancer, susceptibility to, 1. Also called: COLORECTAL ADENOMA AND CANCER, SUSCEPTIBILITY TO; COLORECTAL CANCER, SUSCEPTIBILITY TO, ON CHROMOSOME 9. Identifiers: MedGen C1837315, MONDO:0012132, OMIM 608812.

Allele frequency attached by ClinVar (database versions not stated): gnomAD exomes 0.00001; TOPMed below 0.00001; ExAC 0.00001.
gnomAD v4.1: 8 of 1,614,104 alleles (0.0005%); highest among the groups gnomAD compares: Non-Finnish European, 0.00068%; no homozygotes.

Submissions (3):

Ambry Genetics
Classification: Uncertain significance. Last evaluated: 2025-08-05. Review status: criteria provided, single submitter. Criteria: Ambry Variant Classification Scheme 2023. Collection method: clinical testing. Allele origin: germline.
Comment: The p.R295K variant (also known as c.884G>A), located in coding exon 4 of the GALNT12 gene, results from a G to A substitution at nucleotide position 884. The arginine at codon 295 is replaced by lysine, an amino acid with highly similar properties. This amino acid position is highly conserved through Armadillo but not in all available vertebrate species. In addition, this alteration is predicted to be tolerated by in silico analysis. Since supporting evidence is limited at this time, the clinical significance of this alteration remains unclear.

Baylor Genetics
Classification: Uncertain significance for Colorectal cancer, susceptibility to, 1. Last evaluated: 2024-01-30. Review status: criteria provided, single submitter. Criteria: ACMG Guidelines, 2015. Collection method: clinical testing. Allele origin: unknown.

Labcorp Genetics (formerly Invitae), Labcorp
Classification: Uncertain significance. Last evaluated: 2021-02-01. Review status: criteria provided, single submitter. Criteria: Invitae Variant Classification Sherloc (09022015). Collection method: clinical testing. Allele origin: germline.
Comment: This variant has not been reported in the literature in individuals with GALNT12-related conditions. ClinVar contains an entry for this variant (Variation ID: 822774). Algorithms developed to predict the effect of missense changes on protein structure and function are either unavailable or do not agree on the potential impact of this missense change (SIFT: "Tolerated"; PolyPhen-2: "Possibly Damaging"; Align-GVGD: "Class C0"). In summary, the available evidence is currently insufficient to determine the role of this variant in disease. Therefore, it has been classified as a Variant of Uncertain Significance. This variant is present in population databases (rs762729583, ExAC 0.002%). This sequence change replaces arginine with lysine at codon 295 of the GALNT12 protein (p.Arg295Lys). The arginine residue is moderately conserved and there is a small physicochemical difference between arginine and lysine.